The following is an entry in ClinVar:

NM_025000.4(DCAF17):c.697G>A (p.Val233Ile)

Gene: DCAF17 (DDB1 and CUL4 associated factor 17; plus strand). Cytogenetic location: 2q31.1.
Variant type: single nucleotide variant.
Coding change: c.697G>A on transcript NM_025000.4 (MANE Select); coding-DNA position 697, G replaced by A.
Protein change: p.Val233Ile; replaces valine 233 with isoleucine.
Molecular consequence: missense variant. On other transcripts: non-coding transcript variant (1).
Genome position (GRCh38, 1-based): chr2:171,458,040, G>A. VCF-style: chr2-171458040-G-A. GRCh37 (hg19) VCF-style: chr2-172314550-G-A.
Other names: c.697G>A, p.Val233Ile (NM_001164821.2); c.697G>A (NM_025000.3); short protein forms V233I.
Identifiers: ClinVar variation 1366772 (VCV001366772.6), dbSNP rs772824611, ClinGen allele CA1964756.

ClinVar aggregate classification (germline): Uncertain significance. Review status: criteria provided, multiple submitters, no conflicts (2 of 4 stars). 2 submissions from 2 submitters: Uncertain significance (2). Last evaluated 2024-07-25.

Conditions:
Woodhouse-Sakati syndrome. Also called: Hypogonadism, Alopecia, Diabetes Mellitus, Mental Retardation, and Extrapyramidal Syndrome; Hypogonadism, diabetes mellitus, alopecia, mental retardation and electrocardiographic abnormalities; EXTRAPYRAMIDAL DISORDER, PROGRESSIVE, WITH PRIMARY HYPOGONADISM, MENTAL RETARDATION, AND ALOPECIA. Identifiers: Orphanet 3464, MedGen C0342286, MONDO:0009419, OMIM 241080.
Inborn genetic diseases. Identifiers: MedGen C0950123, MeSH D030342.

Allele frequency attached by ClinVar (database versions not stated): gnomAD exomes below 0.00001; ExAC 0.00001; gnomAD 0.00002 and 0.00003.
gnomAD v4.1: 5 of 1,613,904 alleles (0.00031%); highest among the groups gnomAD compares: Admixed American, 0.0083%; no homozygotes.

Submissions (2):

Ambry Genetics
Classification: Uncertain significance for Inborn genetic diseases. Last evaluated: 2024-07-25. Review status: criteria provided, single submitter. Criteria: Ambry Variant Classification Scheme 2023. Collection method: clinical testing. Allele origin: germline.

Labcorp Genetics (formerly Invitae), Labcorp
Classification: Uncertain significance for Woodhouse-Sakati syndrome. Last evaluated: 2022-06-20. Review status: criteria provided, single submitter. Criteria: Invitae Variant Classification Sherloc (09022015). Collection method: clinical testing. Allele origin: germline.
Comment: This sequence change replaces valine, which is neutral and non-polar, with isoleucine, which is neutral and non-polar, at codon 233 of the DCAF17 protein (p.Val233Ile). This variant is present in population databases (rs772824611, gnomAD 0.003%). This variant has not been reported in the literature in individuals affected with DCAF17-related conditions. Algorithms developed to predict the effect of missense changes on protein structure and function output the following: SIFT: "Deleterious"; PolyPhen-2: "Benign"; Align-GVGD: "Class C0". The isoleucine amino acid residue is found in multiple mammalian species, which suggests that this missense change does not adversely affect protein function. In summary, the available evidence is currently insufficient to determine the role of this variant in disease. Therefore, it has been classified as a Variant of Uncertain Significance.